The following is an entry in ClinVar:

NM_016487.5(MTRES1):c.285A>G (p.Lys95=)

Gene: MTRES1 (mitochondrial transcription rescue factor 1; plus strand). Cytogenetic location: 6q21.
Variant type: single nucleotide variant.
Coding change: c.285A>G on transcript NM_016487.5 (MANE Select); coding-DNA position 285, A replaced by G.
Protein change: p.Lys95=; no amino-acid change (lysine 95 retained).
Molecular consequence: synonymous variant.
Genome position (GRCh38, 1-based): chr6:107,040,045, A>G. VCF-style: chr6-107040045-A-G. GRCh37 (hg19) VCF-style: chr6-107361249-A-G.
Other names: c.285A>G, p.Lys95= (NM_001142468.3); c.300A>G, p.Lys100= (NM_001142470.3).
Identifiers: ClinVar variation 2656813 (VCV002656813.24), dbSNP rs200049618, ClinGen allele CA3945177.

ClinVar aggregate classification (germline): Likely benign (1 of 4 stars; one submission).

Allele frequency attached by ClinVar (database versions not stated): gnomAD exomes 0.00001; ExAC 0.00006; 1000 Genomes Project 30x 0.00016; 1000 Genomes Project 0.00020; ESP Exome Variant Server 0.00023; gnomAD 0.00023; TOPMed 0.00024.
gnomAD v4.1: 54 of 1,613,346 alleles (0.0033%); highest among the groups gnomAD compares: African/African-American, 0.061%; no homozygotes.

Submission:

CeGaT Center for Human Genetics Tuebingen
Classification: Likely benign. Last evaluated: 2022-10-01. Review status: criteria provided, single submitter. Criteria: CeGaT Center For Human Genetics Tuebingen Variant Classification Criteria Version 2. Collection method: clinical testing. Allele origin: germline. Affected: yes. Observed: 1 variant allele.
Comment: MTRES1: BP4, BP7